The following is an entry in ClinVar:

ClinVar aggregate classification (germline): Uncertain significance. Review status: criteria provided, multiple submitters, no conflicts (2 of 4 stars). 2 submissions from 2 submitters: Uncertain significance (2). Last evaluated 2026-03-10.

Submissions (2):

Women's Health and Genetics/Laboratory Corporation of America, LabCorp
Classification: Uncertain significance. Last evaluated: 2026-03-10. Review status: criteria provided, single submitter. Criteria: LabCorp Variant Classification Summary - May 2015. Collection method: clinical testing. Allele origin: germline.
Comment: Variant summary: PYCR2 c.782_784delCCT (p.Ser261del) results in an in-frame deletion that is predicted to remove one amino acid from the encoded protein. The variant allele was found at a frequency of 4e-06 in 250360 control chromosomes. The available data on variant occurrences in the general population are insufficient to allow any conclusion about variant significance. c.782_784delCCT has been observed in at least one compound heterozygous individual affected with clinical features of Hypomyelinating Leukodystrophy 10 (e.g. Bick_2017). These data do not allow any conclusion about variant significance. To our knowledge, no experimental evidence demonstrating an impact on protein function has been reported. The following publication has been ascertained in the context of this evaluation (PMID: 28496993). ClinVar contains an entry for this variant (Variation ID: 2202991). Based on the evidence outlined above, the variant was classified as uncertain significance.

Labcorp Genetics (formerly Invitae), Labcorp
Classification: Uncertain significance. Last evaluated: 2021-12-08. Review status: criteria provided, single submitter. Criteria: Invitae Variant Classification Sherloc (09022015). Collection method: clinical testing. Allele origin: germline.
Comment: In summary, the available evidence is currently insufficient to determine the role of this variant in disease. Therefore, it has been classified as a Variant of Uncertain Significance. Experimental studies and prediction algorithms are not available or were not evaluated, and the functional significance of this variant is currently unknown. This variant has been observed in individual(s) with clinical features of leukodystrophy (PMID: 28496993). This variant is present in population databases (no rsID available, gnomAD 0.0009%). This variant, c.782_784del, results in the deletion of 1 amino acid(s) of the PYCR2 protein (p.Ser261del), but otherwise preserves the integrity of the reading frame.

Literature cited by the submitters: PubMed 28496993 (cited by Women's Health and Genetics/Laboratory Corporation of America, LabCorp and Labcorp Genetics (formerly Invitae), Labcorp).

NM_013328.4(PYCR2):c.779CCT[1] (p.Ser261del)

Gene: PYCR2 (pyrroline-5-carboxylate reductase 2; minus strand). Cytogenetic location: 1q42.12.
Variant type: Microsatellite.
Coding change: c.779CCT[1] on transcript NM_013328.4 (MANE Select); one copy of the 3-base unit CCT starting at c.779; the reference has two copies in a row; one copy, 3 bases deleted.
Protein change: p.Ser261del; deletes serine 261.
Molecular consequence: inframe deletion.
Genome position (GRCh38, 1-based): chr1:225,921,221-225,921,223, AGG deleted on the plus strand (CCT on the coding strand, the reverse complement: PYCR2 is on the minus strand); deleting any 3 consecutive bases within chr1:225,921,221-225,921,226 gives the same sequence; the position shown is the placement nearest the transcript's 3' end. VCF-style (leftmost placement, unchanged base first): chr1-225921220-CAGG-C. GRCh37 (hg19) VCF-style: chr1-226108920-CAGG-C.
Other names: c.557CCT[1], p.Ser187del (NM_001271681.2); c.782_784delCCT (NM_013328.4); short protein forms S261del, S187del.
Identifiers: ClinVar variation 2202991 (VCV002202991.5), dbSNP rs1198562340, ClinGen allele CA423497243.